The following is an entry in ClinVar:

ClinVar aggregate classification (germline): Benign/Likely benign. Review status: criteria provided, multiple submitters, no conflicts (2 of 4 stars). 5 submissions from 5 submitters: Benign (1); Likely benign (4). Last evaluated 2026-07-22.

Conditions:
Hereditary cancer-predisposing syndrome. Also called: Tumor predisposition; Neoplastic Syndromes, Hereditary; Hereditary Cancer Syndrome; Hereditary neoplastic syndrome. Identifiers: Orphanet 140162, MedGen C0027672, MeSH D009386, MONDO:0015356.
SMARCA4-related disorder. Also called: SMARCA4-related condition.
Rhabdoid tumor predisposition syndrome 2 (RTPS2). Identifiers: Orphanet 231108, Orphanet 69077, MedGen C2750074, MONDO:0013224, OMIM 613325.

Allele frequency attached by ClinVar (database versions not stated): ExAC 0.00004; 1000 Genomes Project 30x 0.00016; gnomAD exomes 0.00001 and 0.00003; TOPMed 0.00001; 1000 Genomes Project 0.00020; gnomAD 0.00001.

Submissions (5):

Myriad Genetics, Inc.
Classification: Benign for Rhabdoid tumor predisposition syndrome 2. Last evaluated: 2026-07-22. Review status: criteria provided, single submitter. Criteria: Myriad Autosomal Dominant, Autosomal Recessive and X-Linked Classification Criteria (2023). Collection method: clinical testing. Allele origin: unknown.
Comment: This variant is considered benign. This variant is a silent/synonymous amino acid change and it is not expected to impact splicing.

PreventionGenetics, part of Exact Sciences
Classification: Likely benign for SMARCA4-related condition. Last evaluated: 2026-01-21. Review status: criteria provided, single submitter. Criteria: ACMG Guidelines, 2015. Collection method: clinical testing. Allele origin: germline.
Comment: This variant is classified as likely benign based on ACMG/AMP sequence variant interpretation guidelines (Richards et al. 2015 PMID: 25741868, with internal and published modifications).

Labcorp Genetics (formerly Invitae), Labcorp
Classification: Likely benign for Rhabdoid tumor predisposition syndrome 2. Last evaluated: 2026-01-10. Review status: criteria provided, single submitter. Criteria: Invitae Variant Classification Sherloc (09022015). Collection method: clinical testing. Allele origin: germline.

Quest Diagnostics Nichols Institute San Juan Capistrano
Classification: Likely benign. Last evaluated: 2025-02-10. Review status: criteria provided, single submitter. Criteria: Quest Diagnostics criteria. Collection method: clinical testing. Allele origin: unknown.

Ambry Genetics
Classification: Likely benign for Hereditary cancer-predisposing syndrome. Last evaluated: 2016-01-26. Review status: criteria provided, single submitter. Criteria: Ambry Variant Classification Scheme 2023. Collection method: clinical testing. Allele origin: germline.

NM_003072.5(SMARCA4):c.4485C>T (p.Pro1495=)

Gene: SMARCA4 (SWI/SNF related BAF chromatin remodeling complex subunit ATPase 4; plus strand). Cytogenetic location: 19p13.2.
Variant type: single nucleotide variant.
Coding change: c.4485C>T on transcript NM_003072.5 (MANE Select); coding-DNA position 4485, C replaced by T.
Protein change: p.Pro1495=; no amino-acid change (proline 1495 retained).
Molecular consequence: synonymous variant. On other transcripts: non-coding transcript variant (1).
Genome position (GRCh38, 1-based): chr19:11,058,315, C>T. VCF-style: chr19-11058315-C-T. GRCh37 (hg19) VCF-style: chr19-11168991-C-T.
Other names: c.4485C>T, p.Pro1495= (NM_001128844.3); c.4395C>T, p.Pro1465= (NM_001128845.2); c.4392C>T, p.Pro1464= (NM_001128846.2); c.4386C>T, p.Pro1462= (NM_001128847.4, NM_001374457.1); c.4383C>T, p.Pro1461= (NM_001128848.2); c.4581C>T, p.Pro1527= (NM_001128849.3, NM_001387283.1).
Identifiers: ClinVar variation 484877 (VCV000484877.20), dbSNP rs568946159, ClinGen allele CA9204756.